The following is an entry in ClinVar:

NM_001457.4(FLNB):c.3173C>T (p.Pro1058Leu)

Gene: FLNB (filamin B; plus strand). Cytogenetic location: 3p14.3.
Variant type: single nucleotide variant.
Coding change: c.3173C>T on transcript NM_001457.4 (MANE Select); coding-DNA position 3173, C replaced by T.
Protein change: p.Pro1058Leu; replaces proline 1058 with leucine.
Molecular consequence: missense variant.
Genome position (GRCh38, 1-based): chr3:58,123,139, C>T. VCF-style: chr3-58123139-C-T. GRCh37 (hg19) VCF-style: chr3-58108866-C-T.
Other names: c.3173C>T, p.Pro1058Leu (NM_001164317.2, NM_001164318.2, NM_001164319.2); short protein forms P1058L.
Identifiers: ClinVar variation 2585277 (VCV002585277.1), dbSNP rs1274949470, ClinGen allele CA353348250.

ClinVar aggregate classification (germline): Uncertain significance (1 of 4 stars; one submission).

Conditions:
Larsen syndrome (LRS). Also called: Larsen syndrome (FLNB-LS); Bilateral dislocation of the knees, pes cavus, cylindrically shaped fingers and characteristic facies. Identifiers: Orphanet 503, MedGen C0175778, MONDO:0007875, OMIM 150250. Disease mechanism: loss of function.

Submission:

Neuberg Centre For Genomic Medicine, NCGM
Classification: Uncertain significance for Larsen syndrome. Review status: criteria provided, single submitter. Criteria: ACMG Guidelines, 2015. Collection method: clinical testing. Allele origin: germline. Inheritance: Autosomal dominant inheritance. Affected: yes.
Comment: The missense variant c.3173C>T (p.Pro1058Leu) in FLNB gene has not been reported previously as a pathogenic variant nor as a benign variant, to our knowledge. The variant is novel (not in any individuals) in gnomAD Exomes and 1000 Genomes. The amino acid Proline at position 1058 is changed to a Leucine changing protein sequence and it might alter its composition and physico-chemical properties. The variant is predicted to be damaging by PolyPhen2. The residue is conserved across species. For these reasons, this variant has been classified as Uncertain Significance.